The following is an entry in ClinVar:

ClinVar aggregate classification (germline): Uncertain significance (1 of 4 stars; one submission).

Conditions:
Netherton syndrome (NETH). Also called: NETHERTON DISEASE; ERYTHRODERMA, ICHTHYOSIFORM, WITH HYPOTRICHOSIS AND HYPER-IgE; COMEL-NETHERTON SYNDROME. Identifiers: Orphanet 634, MedGen C5574950, MONDO:0009735, OMIM 256500.

Allele frequency attached by ClinVar (database versions not stated): TOPMed below 0.00001; gnomAD exomes 0.00001 and 0.00002.

Submission:

Labcorp Genetics (formerly Invitae), Labcorp
Classification: Uncertain significance for Ichthyosis linearis circumflexa. Last evaluated: 2022-07-05. Review status: criteria provided, single submitter. Criteria: Invitae Variant Classification Sherloc (09022015). Collection method: clinical testing. Allele origin: germline.
Comment: This sequence change replaces threonine, which is neutral and polar, with alanine, which is neutral and non-polar, at codon 176 of the SPINK5 protein (p.Thr176Ala). This variant is present in population databases (rs200801701, gnomAD 0.01%). This variant has not been reported in the literature in individuals affected with SPINK5-related conditions. ClinVar contains an entry for this variant (Variation ID: 1368894). Algorithms developed to predict the effect of missense changes on protein structure and function are either unavailable or do not agree on the potential impact of this missense change (SIFT: "Deleterious"; PolyPhen-2: "Probably Damaging"; Align-GVGD: "Class C0"). In summary, the available evidence is currently insufficient to determine the role of this variant in disease. Therefore, it has been classified as a Variant of Uncertain Significance.

NM_006846.4(SPINK5):c.526A>G (p.Thr176Ala)

Gene: SPINK5 (serine peptidase inhibitor Kazal type 5; plus strand). Cytogenetic location: 5q32.
Variant type: single nucleotide variant.
Coding change: c.526A>G on transcript NM_006846.4 (MANE Select); coding-DNA position 526, A replaced by G.
Protein change: p.Thr176Ala; replaces threonine 176 with alanine.
Molecular consequence: missense variant.
Genome position (GRCh38, 1-based): chr5:148,089,545, A>G. VCF-style: chr5-148089545-A-G. GRCh37 (hg19) VCF-style: chr5-147469108-A-G.
Other names: c.526A>G, p.Thr176Ala (NM_001127698.2, NM_001127699.2); short protein forms T176A.
Identifiers: ClinVar variation 1368894 (VCV001368894.7), dbSNP rs200801701, ClinGen allele CA129719357.